The following is an entry in ClinVar:

ClinVar aggregate classification (germline): Uncertain significance. Review status: criteria provided, multiple submitters, no conflicts (2 of 4 stars). 2 submissions from 2 submitters: Uncertain significance (2). Last evaluated 2026-04-24.

Conditions:
Inborn genetic diseases. Identifiers: MedGen C0950123, MeSH D030342.

Submissions (2):

Women's Health and Genetics/Laboratory Corporation of America, LabCorp
Classification: Uncertain significance. Last evaluated: 2026-04-24. Review status: criteria provided, single submitter. Criteria: LabCorp Variant Classification Summary - May 2015. Collection method: clinical testing. Allele origin: germline.
Comment: Variant summary: SZT2 c.9988C>G (p.Leu3330Val) results in a conservative amino acid change in the encoded protein sequence. Algorithms developed to predict the effect of missense changes on protein structure and function all suggest that this variant is likely to be tolerated. The variant was absent in 250866 control chromosomes. The available data on variant occurrences in the general population are insufficient to allow any conclusion about variant significance. To our knowledge, no occurrence of c.9988C>G in individuals affected with SZT2-related conditions and no experimental evidence demonstrating its impact on protein function have been reported. ClinVar contains an entry for this variant (Variation ID: 2237461). Based on the evidence outlined above, the variant was classified as uncertain significance.

Ambry Genetics
Classification: Uncertain significance for Inborn genetic diseases. Last evaluated: 2021-07-14. Review status: criteria provided, single submitter. Criteria: Ambry Variant Classification Scheme 2023. Collection method: clinical testing. Allele origin: germline.

NM_001365999.1(SZT2):c.10159C>G (p.Leu3387Val)

Gene: SZT2 (SZT2 subunit of KICSTOR complex; plus strand). Cytogenetic location: 1p34.2.
Variant type: single nucleotide variant.
Coding change: c.10159C>G on transcript NM_001365999.1 (MANE Select); coding-DNA position 10159, C replaced by G.
Protein change: p.Leu3387Val; replaces leucine 3387 with valine.
Molecular consequence: missense variant.
Genome position (GRCh38, 1-based): chr1:43,450,340, C>G. VCF-style: chr1-43450340-C-G. GRCh37 (hg19) VCF-style: chr1-43916011-C-G.
Other names: c.9988C>G, p.Leu3330Val (NM_015284.4); c.1600C>G, p.Leu534Val (NM_024547.1); short protein forms L3387V, L3330V, L534V.
Identifiers: ClinVar variation 2237461 (VCV002237461.3), dbSNP rs1168556027, ClinGen allele CA340047669.